The following is an entry in ClinVar:

NM_198129.4(LAMA3):c.4372T>G (p.Cys1458Gly)

Gene: LAMA3 (laminin subunit alpha 3; plus strand). Cytogenetic location: 18q11.2.
Variant type: single nucleotide variant.
Coding change: c.4372T>G on transcript NM_198129.4 (MANE Select); coding-DNA position 4372, T replaced by G.
Protein change: p.Cys1458Gly; replaces cysteine 1458 with glycine.
Molecular consequence: missense variant.
Genome position (GRCh38, 1-based): chr18:23,858,779, T>G. VCF-style: chr18-23858779-T-G. GRCh37 (hg19) VCF-style: chr18-21438743-T-G.
Other names: c.4372T>G, p.Cys1458Gly (NM_001127717.4); short protein forms C1458G.
Identifiers: ClinVar variation 4975432 (VCV004975432.1).

ClinVar aggregate classification (germline): Uncertain significance (1 of 4 stars; one submission).

Submission:

GeneDx
Classification: Uncertain significance. Last evaluated: 2026-02-04. Review status: criteria provided, single submitter. Criteria: GeneDx Variant Classification Process June 2021. Collection method: clinical testing. Allele origin: germline.
Comment: Not observed at significant frequency in large population cohorts (gnomAD); In silico analysis supports that this missense variant has a deleterious effect on protein structure/function; Has not been previously published as pathogenic or benign to our knowledge; Reported using an alternate transcript of the gene